The following is an entry in ClinVar:

ClinVar aggregate classification (germline): Uncertain significance (1 of 4 stars; one submission).

Allele frequency attached by ClinVar (database versions not stated): gnomAD exomes below 0.00001.
gnomAD v4.1: 1 of 1,569,908 alleles (0.000064%); highest among the groups gnomAD compares: Non-Finnish European, 0.000088%; no homozygotes.

Submission:

CeGaT Center for Human Genetics Tuebingen
Classification: Uncertain significance. Last evaluated: 2023-12-01. Review status: criteria provided, single submitter. Criteria: CeGaT Center For Human Genetics Tuebingen Variant Classification Criteria Version 2. Collection method: clinical testing. Allele origin: germline. Affected: yes. Observed: 1 variant allele.
Comment: CNOT3: PM2

NM_014516.4(CNOT3):c.872C>A (p.Ser291Tyr)

Gene: CNOT3 (CCR4-NOT transcription complex subunit 3; plus strand). Cytogenetic location: 19q13.42.
Variant type: single nucleotide variant.
Coding change: c.872C>A on transcript NM_014516.4 (MANE Select); coding-DNA position 872, C replaced by A.
Protein change: p.Ser291Tyr; replaces serine 291 with tyrosine.
Molecular consequence: missense variant.
Genome position (GRCh38, 1-based): chr19:54,146,635, C>A. VCF-style: chr19-54146635-C-A. GRCh37 (hg19) VCF-style: chr19-54650371-C-A.
Other names: short protein forms S291Y.
Identifiers: ClinVar variation 3026711 (VCV003026711.22), dbSNP rs2074686379, ClinGen allele CA407762687.